The following is an entry in ClinVar:

ClinVar aggregate classification (germline): Conflicting classifications of pathogenicity. Review status: criteria provided, conflicting classifications (1 of 4 stars). 4 submissions from 4 submitters: Uncertain significance (1); Likely benign (3). Last evaluated 2025-12-29.

Conditions:
Spondylometaphyseal dysplasia - Sutcliffe type. Also called: Sutcliffe type of spondylometaphyseal dysplasia; Sutcliffe SMD; Spondylometaphyseal Dysplasia, Corner Fracture Type; Spondylometaphyseal dysplasia, 'corner fracture' type. Identifiers: Orphanet 93315, MedGen C0432221, MONDO:0008479, OMIM 184255.
Glomerulopathy with fibronectin deposits 2 (GFND2). Identifiers: Orphanet 84090, MedGen C1866075, MONDO:0011165, OMIM 601894.

Allele frequency attached by ClinVar (database versions not stated): gnomAD exomes 0.00006; ExAC 0.00008; TOPMed 0.00014; gnomAD 0.00017 and 0.00019; ESP Exome Variant Server 0.00023.

Submissions (4):

Labcorp Genetics (formerly Invitae), Labcorp
Classification: Uncertain significance. Last evaluated: 2025-12-29. Review status: criteria provided, single submitter. Criteria: Invitae Variant Classification Sherloc (09022015). Collection method: clinical testing. Allele origin: germline.
Comment: This sequence change replaces threonine, which is neutral and polar, with serine, which is neutral and polar, at codon 1968 of the FN1 protein (p.Thr1968Ser). This variant is present in population databases (rs201136367, gnomAD 0.02%), and has an allele count higher than expected for a pathogenic variant. This variant has not been reported in the literature in individuals affected with FN1-related conditions. ClinVar contains an entry for this variant (Variation ID: 1504652). An algorithm developed to predict the effect of missense changes on protein structure and function (PolyPhen-2) suggests that this variant is likely to be tolerated. In summary, the available evidence is currently insufficient to determine the role of this variant in disease. Therefore, it has been classified as a Variant of Uncertain Significance.

Laboratory of Genetics, Children's Clinical University Hospital Latvia
Classification: Likely benign. Last evaluated: 2025-02-16. Review status: criteria provided, single submitter. Criteria: ACMG Guidelines, 2015. Collection method: clinical testing. Allele origin: germline. Affected: yes.

Blueprint Genetics
Classification: Likely benign. Last evaluated: 2024-11-25. Review status: criteria provided, single submitter. Criteria: ACMG Guidelines, 2015. Collection method: clinical testing. Allele origin: germline.

Fulgent Genetics
Classification: Likely benign for Spondylometaphyseal dysplasia - Sutcliffe type; Glomerulopathy with fibronectin deposits 2. Last evaluated: 2024-04-11. Review status: criteria provided, single submitter. Criteria: ACMG Guidelines, 2015. Collection method: clinical testing. Allele origin: germline.

NM_212482.4(FN1):c.5903C>G (p.Thr1968Ser)

Genes: FN1 (fibronectin 1; minus strand), LOC126806496 (CDK7 strongly-dependent group 2 enhancer GRCh37_chr2:216240057-216241256; plus strand). Cytogenetic location: 2q35.
Variant type: single nucleotide variant.
Coding change: c.5903C>G on transcript NM_212482.4 (MANE Select); coding-DNA position 5903, C replaced by G.
Protein change: p.Thr1968Ser; replaces threonine 1968 with serine.
Molecular consequence: missense variant.
Genome position (GRCh38, 1-based): chr2:215,375,703, G>C on the plus strand (C>G on the coding strand, the complement: FN1 is on the minus strand). VCF-style: chr2-215375703-G-C. GRCh37 (hg19) VCF-style: chr2-216240426-G-C.
Other names: c.5903C>G, p.Thr1968Ser (NM_001306129.2); c.5633C>G, p.Thr1878Ser (NM_001306130.2, NM_001365517.2, NM_001365519.2 and 2 more transcripts); c.5360C>G, p.Thr1787Ser (NM_001306131.2, NM_001306132.2, NM_001365523.2 and 2 more transcripts); c.5630C>G, p.Thr1877Ser (NM_001365518.2, NM_001365520.2, NM_001365524.2 and 2 more transcripts); short protein forms T1877S, T1968S, T1878S, T1787S.
Identifiers: ClinVar variation 1504652 (VCV001504652.12), dbSNP rs201136367, ClinGen allele CA2094001.